The following is an entry in ClinVar:

ClinVar aggregate classification (germline): Likely benign (1 of 4 stars; one submission).

gnomAD v4.1: 87 of 1,609,158 alleles (0.0054%); highest among the groups gnomAD compares: Non-Finnish European, 0.0064%; no homozygotes.

Submission:

CeGaT Center for Human Genetics Tuebingen
Classification: Likely benign. Last evaluated: 2025-09-01. Review status: criteria provided, single submitter. Criteria: CeGaT Center For Human Genetics Tuebingen Variant Classification Criteria Version 2. Collection method: clinical testing. Allele origin: germline. Affected: yes. Observed: 1 variant allele.
Comment: PLS1: BP4, BP7

NM_001145319.2(PLS1):c.1389T>C (p.Tyr463=)

Gene: PLS1 (plastin 1; plus strand). Cytogenetic location: 3q23.
Variant type: single nucleotide variant.
Coding change: c.1389T>C on transcript NM_001145319.2 (MANE Select); coding-DNA position 1389, T replaced by C.
Protein change: p.Tyr463=; no amino-acid change (tyrosine 463 retained).
Molecular consequence: synonymous variant.
Genome position (GRCh38, 1-based): chr3:142,703,885, T>C. VCF-style: chr3-142703885-T-C. GRCh37 (hg19) VCF-style: chr3-142422727-T-C.
Other names: c.1389T>C, p.Tyr463= (NM_001172312.2, NM_002670.3).
Identifiers: ClinVar variation 4280879 (VCV004280879.7).